The following is an entry in ClinVar:

NM_004329.3(BMPR1A):c.124A>G (p.Lys42Glu)

Gene: BMPR1A (bone morphogenetic protein receptor type 1A; plus strand). Cytogenetic location: 10q23.2.
Variant type: single nucleotide variant.
Coding change: c.124A>G on transcript NM_004329.3 (MANE Select); coding-DNA position 124, A replaced by G.
Protein change: p.Lys42Glu; replaces lysine 42 with glutamic acid.
Molecular consequence: missense variant.
Genome position (GRCh38, 1-based): chr10:86,890,118, A>G. VCF-style: chr10-86890118-A-G. GRCh37 (hg19) VCF-style: chr10-88649875-A-G.
Other names: short protein forms K42E.
Identifiers: ClinVar variation 186702 (VCV000186702.27), dbSNP rs786203156, ClinGen allele CA195606.

ClinVar aggregate classification (germline): Uncertain significance. Review status: criteria provided, multiple submitters, no conflicts (2 of 4 stars). 7 submissions from 7 submitters: Uncertain significance (7). Last evaluated 2025-12-17.

Conditions:
Juvenile polyposis syndrome (JPS). Identifiers: Orphanet 2929, MedGen C0345893, MONDO:0017380, OMIM 174900.
Hereditary cancer-predisposing syndrome. Also called: Tumor predisposition; Neoplastic Syndromes, Hereditary; Hereditary neoplastic syndrome; Hereditary Cancer Syndrome. Identifiers: Orphanet 140162, MedGen C0027672, MeSH D009386, MONDO:0015356.
Polyposis syndrome, hereditary mixed, 2. Identifiers: Orphanet 157794, MedGen C1864730, MONDO:0012405, OMIM 610069.

Allele frequency attached by ClinVar (database versions not stated): gnomAD exomes 0.00001.
gnomAD v4.1: 21 of 1,614,088 alleles (0.0013%); highest among the groups gnomAD compares: Non-Finnish European, 0.0017%; no homozygotes.

Submissions (7):

Labcorp Genetics (formerly Invitae), Labcorp
Classification: Uncertain significance for Juvenile polyposis syndrome. Last evaluated: 2025-12-17. Review status: criteria provided, single submitter. Criteria: Invitae Variant Classification Sherloc (09022015). Collection method: clinical testing. Allele origin: germline.
Comment: This sequence change replaces lysine, which is basic and polar, with glutamic acid, which is acidic and polar, at codon 42 of the BMPR1A protein (p.Lys42Glu). This variant is not present in population databases (gnomAD no frequency). This variant has not been reported in the literature in individuals affected with BMPR1A-related conditions. ClinVar contains an entry for this variant (Variation ID: 186702). Invitae Evidence Modeling of protein sequence and biophysical properties (such as structural, functional, and spatial information, amino acid conservation, physicochemical variation, residue mobility, and thermodynamic stability) indicates that this missense variant is not expected to disrupt BMPR1A protein function with a negative predictive value of 95%. In summary, the available evidence is currently insufficient to determine the role of this variant in disease. Therefore, it has been classified as a Variant of Uncertain Significance.

Ambry Genetics
Classification: Uncertain significance for Hereditary cancer-predisposing syndrome. Last evaluated: 2025-07-10. Review status: criteria provided, single submitter. Criteria: Ambry Variant Classification Scheme 2023. Collection method: clinical testing. Allele origin: germline.
Comment: The p.K42E variant (also known as c.124A>G), located in coding exon 2 of the BMPR1A gene, results from an A to G substitution at nucleotide position 124. The lysine at codon 42 is replaced by glutamic acid, an amino acid with similar properties. This alteration was identified in 1/1358 non-cancer control individuals and in 0/57 cases, in a study looking at cancer predisposition mutations in patients with cutaneous melanoma and a history of at least two additional non-cutaneous melanoma primary cancers (Pritchard AL et al. PLoS One, 2018 Apr;13:e0194098). This amino acid position is well conserved in available vertebrate species. In addition, the in silico prediction for this alteration is inconclusive. Since supporting evidence is limited at this time, the clinical significance of this alteration remains unclear.

All of Us Research Program, National Institutes of Health
Classification: Uncertain significance for Juvenile polyposis syndrome. Last evaluated: 2024-08-30. Review status: criteria provided, single submitter. Criteria: ACMG Guidelines, 2015. Collection method: clinical testing. Allele origin: germline. Inheritance: Autosomal dominant inheritance. Observed: 3 variant alleles, 3 heterozygotes.
Comment: This missense variant replaces lysine with glutamic acid at codon 42 of the BMPR1A protein. Computational prediction suggests that this variant may not impact protein structure and function (internally defined REVEL score threshold <= 0.5, PMID: 27666373). To our knowledge, functional studies have not been reported for this variant. This variant has not been reported in individuals affected with BMPR1A-related disorders in the literature. This variant has not been identified in the general population by the Genome Aggregation Database (gnomAD). The available evidence is insufficient to determine the role of this variant in disease conclusively. Therefore, this variant is classified as a Variant of Uncertain Significance.

This study involves interpretation of variants in research participants for the purpose of population health screening. Participant phenotype was not available at the time of variant classification. Additional details can be found in publication PMID: 35346344, PMCID: PMC8962531

Color Diagnostics, LLC DBA Color Health
Classification: Uncertain significance for Hereditary cancer-predisposing syndrome. Last evaluated: 2024-05-15. Review status: criteria provided, single submitter. Criteria: ACMG Guidelines, 2015. Collection method: clinical testing. Allele origin: germline.
Comment: This missense variant replaces lysine with glutamic acid at codon 42 of the BMPR1A protein. Computational prediction suggests that this variant may not impact protein structure and function (internally defined REVEL score threshold <= 0.5, PMID: 27666373). To our knowledge, functional studies have not been reported for this variant. This variant has not been reported in individuals affected with BMPR1A-related disorders in the literature. This variant has not been identified in the general population by the Genome Aggregation Database (gnomAD). The available evidence is insufficient to determine the role of this variant in disease conclusively. Therefore, this variant is classified as a Variant of Uncertain Significance.

Blueprint Genetics
Classification: Uncertain significance. Last evaluated: 2023-12-20. Review status: criteria provided, single submitter. Criteria: ACMG Guidelines, 2015. Collection method: clinical testing. Allele origin: germline.

Baylor Genetics
Classification: Uncertain significance for Polyposis syndrome, hereditary mixed, 2. Last evaluated: 2023-10-17. Review status: criteria provided, single submitter. Criteria: ACMG Guidelines, 2015. Collection method: clinical testing. Allele origin: unknown.

GeneDx
Classification: Uncertain significance. Last evaluated: 2022-04-28. Review status: criteria provided, single submitter. Criteria: GeneDx Variant Classification Process June 2021. Collection method: clinical testing. Allele origin: germline. Affected: yes.
Comment: Not observed in large population cohorts (gnomAD); In silico analysis, which includes protein predictors and evolutionary conservation, supports that this variant does not alter protein structure/function; Observed in a reportedly unaffected control in a case control study (Pritchard 2018); This variant is associated with the following publications: (PMID: 29641532)

Literature cited by the submitters: PubMed 29641532 (cited by Ambry Genetics).